The following is an entry in ClinVar:

ClinVar aggregate classification (germline): Uncertain significance (1 of 4 stars; one submission).

Conditions:
Frontotemporal dementia and/or amyotrophic lateral sclerosis 4. Also called: FTDALS4. Identifiers: Orphanet 275872, MedGen C4225325, MONDO:0014641, OMIM 616439.

Submission:

Labcorp Genetics (formerly Invitae), Labcorp
Classification: Uncertain significance for Frontotemporal dementia and/or amyotrophic lateral sclerosis 4. Last evaluated: 2025-08-03. Review status: criteria provided, single submitter. Criteria: Invitae Variant Classification Sherloc (09022015). Collection method: clinical testing. Allele origin: germline.
Comment: This sequence change replaces glutamic acid, which is acidic and polar, with alanine, which is neutral and non-polar, at codon 703 of the TBK1 protein (p.Glu703Ala). This variant is present in population databases (rs749137136, gnomAD 0.004%). This variant has not been reported in the literature in individuals affected with TBK1-related conditions. Invitae Evidence Modeling of protein sequence and biophysical properties (such as structural, functional, and spatial information, amino acid conservation, physicochemical variation, residue mobility, and thermodynamic stability) indicates that this missense variant is not expected to disrupt TBK1 protein function with a negative predictive value of 95%. In summary, the available evidence is currently insufficient to determine the role of this variant in disease. Therefore, it has been classified as a Variant of Uncertain Significance.

NM_013254.4(TBK1):c.2108A>C (p.Glu703Ala)

Gene: TBK1 (TANK binding kinase 1; plus strand). Cytogenetic location: 12q14.2.
Variant type: single nucleotide variant.
Coding change: c.2108A>C on transcript NM_013254.4 (MANE Select); coding-DNA position 2108, A replaced by C.
Protein change: p.Glu703Ala; replaces glutamic acid 703 with alanine.
Molecular consequence: missense variant.
Genome position (GRCh38, 1-based): chr12:64,498,009, A>C. VCF-style: chr12-64498009-A-C. GRCh37 (hg19) VCF-style: chr12-64891789-A-C.
Other names: short protein forms E703A.
Identifiers: ClinVar variation 4803922 (VCV004803922.1).